The following is an entry in ClinVar:

NM_001130144.3(LTBP3):c.2894C>T (p.Ala965Val)

Gene: LTBP3 (latent transforming growth factor beta binding protein 3; minus strand). Cytogenetic location: 11q13.1.
Variant type: single nucleotide variant.
Coding change: c.2894C>T on transcript NM_001130144.3 (MANE Select); coding-DNA position 2894, C replaced by T.
Protein change: p.Ala965Val; replaces alanine 965 with valine.
Molecular consequence: missense variant.
Genome position (GRCh38, 1-based): chr11:65,540,954, G>A on the plus strand (C>T on the coding strand, the complement: LTBP3 is on the minus strand). VCF-style: chr11-65540954-G-A. GRCh37 (hg19) VCF-style: chr11-65308425-G-A.
Other names: c.2543C>T, p.Ala848Val (NM_001164266.1); c.2894C>T, p.Ala965Val (NM_021070.4); short protein forms A965V, A848V.
Identifiers: ClinVar variation 2447591 (VCV002447591.5), dbSNP rs1325878964, ClinGen allele CA381268141.
Genomic context (GRCh38, chr11:65,540,954, plus strand): 5'-TTGACGATGTTGTTGTCCTGGGTGTAGCCCTTTCCGTCTGGGCAGAGGCTGTGGAACTCG[G>A]CTGCAGGGGCAGGGCGGCCGTGGGGAGGGAAGAGGCAGGACTGAGCGCGCGCGTGGGCTT-3'
Protein context (NP_001123616.1, residues 955-975): EIYPCPVYSS[Ala965Val]EFHSLCPDGK

ClinVar aggregate classification (germline): Uncertain significance. Review status: criteria provided, multiple submitters, no conflicts (2 of 4 stars). 2 submissions from 2 submitters: Uncertain significance (2). Last evaluated 2024-02-14.

Conditions:
Brachyolmia-amelogenesis imperfecta syndrome. Also called: PLATYSPONDYLY WITH AMELOGENESIS IMPERFECTA; Tooth agenesis, selective, 6; Dental anomalies and short stature. Identifiers: Orphanet 2899, MedGen C1832594, MONDO:0011018, OMIM 601216. Disease mechanism: loss of function.
Inborn genetic diseases. Identifiers: MedGen C0950123, MeSH D030342.

Allele frequency attached by ClinVar (database versions not stated): gnomAD exomes below 0.00001; gnomAD 0.00001; TOPMed 0.00001.
gnomAD v4.1: 2 of 1,612,922 alleles (0.00012%); highest among the groups gnomAD compares: Admixed American, 0.0033%; no homozygotes.

Submissions (2):

Labcorp Genetics (formerly Invitae), Labcorp
Classification: Uncertain significance for Brachyolmia-amelogenesis imperfecta syndrome. Last evaluated: 2024-02-14. Review status: criteria provided, single submitter. Criteria: Invitae Variant Classification Sherloc (09022015). Collection method: clinical testing. Allele origin: germline.
Comment: This sequence change replaces alanine, which is neutral and non-polar, with valine, which is neutral and non-polar, at codon 965 of the LTBP3 protein (p.Ala965Val). This variant is not present in population databases (gnomAD no frequency). This variant has not been reported in the literature in individuals affected with LTBP3-related conditions. ClinVar contains an entry for this variant (Variation ID: 2447591). An algorithm developed to predict the effect of missense changes on protein structure and function (PolyPhen-2) suggests that this variant is likely to be tolerated. In summary, the available evidence is currently insufficient to determine the role of this variant in disease. Therefore, it has been classified as a Variant of Uncertain Significance.

Ambry Genetics
Classification: Uncertain significance for Inborn genetic diseases. Last evaluated: 2023-01-18. Review status: criteria provided, single submitter. Criteria: Ambry Variant Classification Scheme 2023. Collection method: clinical testing. Allele origin: germline.
Comment: The p.A965V variant (also known as c.2894C>T) is located in coding exon 21 of the LTBP3 gene. The alanine at codon 965 is replaced by valine, an amino acid with similar properties. This change occurs in the first base pair of coding exon 21. This amino acid position is conserved. In addition, the in silico prediction for this alteration is inconclusive. Since supporting evidence is limited at this time, the clinical significance of this alteration remains unclear.